The following is an entry in ClinVar:

NM_004100.5(EYA4):c.1417G>A (p.Gly473Arg)

Genes: TARID (TCF21 antisense RNA inducing promoter demethylation; minus strand), EYA4 (EYA transcriptional coactivator and phosphatase 4; plus strand). Cytogenetic location: 6q23.2.
Variant type: single nucleotide variant.
Coding change: c.1417G>A on transcript NM_004100.5 (MANE Select); coding-DNA position 1417, G replaced by A.
Protein change: p.Gly473Arg; replaces glycine 473 with arginine.
Molecular consequence: missense variant.
Genome position (GRCh38, 1-based): chr6:133,512,954, G>A. VCF-style: chr6-133512954-G-A. GRCh37 (hg19) VCF-style: chr6-133834092-G-A.
Other names: c.1255G>A, p.Gly419Arg (NM_001301012.2); c.1435G>A, p.Gly479Arg (NM_001301013.2); c.1348G>A, p.Gly450Arg (NM_001370458.1, NM_172103.4); c.1273G>A, p.Gly425Arg (NM_001370459.1); c.1417G>A, p.Gly473Arg (NM_172105.4); short protein forms G419R, G425R, G450R, G473R, G479R.
Identifiers: ClinVar variation 1719166 (VCV001719166.5), dbSNP rs2535340198, ClinGen allele CA365715224.

ClinVar aggregate classification (germline): Uncertain significance (1 of 4 stars; one submission).

Conditions:
Dilated cardiomyopathy 1J (CMD1J). Also called: CARDIOMYOPATHY, DILATED, WITH SENSORINEURAL HEARING LOSS, AUTOSOMAL DOMINANT. Identifiers: Orphanet 217622, MedGen C1854368, MONDO:0011541, OMIM 605362.

Submission:

Labcorp Genetics (formerly Invitae), Labcorp
Classification: Uncertain significance for Dilated cardiomyopathy 1J. Last evaluated: 2022-09-10. Review status: criteria provided, single submitter. Criteria: Invitae Variant Classification Sherloc (09022015). Collection method: clinical testing. Allele origin: germline.
Comment: This variant is not present in population databases (gnomAD no frequency). This variant has not been reported in the literature in individuals affected with EYA4-related conditions. Advanced modeling of protein sequence and biophysical properties (such as structural, functional, and spatial information, amino acid conservation, physicochemical variation, residue mobility, and thermodynamic stability) performed at Invitae indicates that this missense variant is expected to disrupt EYA4 protein function. In summary, the available evidence is currently insufficient to determine the role of this variant in disease. Therefore, it has been classified as a Variant of Uncertain Significance. This sequence change replaces glycine, which is neutral and non-polar, with arginine, which is basic and polar, at codon 473 of the EYA4 protein (p.Gly473Arg).